The following is an entry in ClinVar:

NM_005475.3(SH2B3):c.733A>C (p.Ser245Arg)

Gene: SH2B3 (SH2B adaptor protein 3; plus strand). Cytogenetic location: 12q24.12.
Variant type: single nucleotide variant.
Coding change: c.733A>C on transcript NM_005475.3 (MANE Select); coding-DNA position 733, A replaced by C.
Protein change: p.Ser245Arg; replaces serine 245 with arginine.
Molecular consequence: missense variant.
Genome position (GRCh38, 1-based): chr12:111,446,753, A>C. VCF-style: chr12-111446753-A-C. GRCh37 (hg19) VCF-style: chr12-111884557-A-C.
Other names: c.127A>C, p.Ser43Arg (NM_001291424.1); short protein forms S245R, S43R.
Identifiers: ClinVar variation 4864392 (VCV004864392.1).

ClinVar aggregate classification (germline): Uncertain significance (1 of 4 stars; one submission).

Conditions:
Inborn genetic diseases. Identifiers: MedGen C0950123, MeSH D030342.

Submission:

Ambry Genetics
Classification: Uncertain significance for Inborn genetic diseases. Last evaluated: 2026-03-23. Review status: criteria provided, single submitter. Criteria: Ambry Variant Classification Scheme 2023. Collection method: clinical testing. Allele origin: germline.
Comment: The p.S245R variant (also known as c.733A>C) is located in coding exon 2 of the SH2B3 gene. The serine at codon 245 is replaced by arginine, an amino acid with dissimilar properties. This change occurs in the first base pair of coding exon 2. This amino acid position is conserved. In addition, this alteration is predicted to be tolerated by in silico analysis. Based on the available evidence, the clinical significance of this variant remains unclear.